The following is an entry in ClinVar:

NM_003995.4(NPR2):c.2481dup (p.Arg828fs)

Gene: NPR2 (natriuretic peptide receptor 2; plus strand). Cytogenetic location: 9p13.3.
Variant type: Duplication.
Coding change: c.2481dup on transcript NM_003995.4 (MANE Select); coding-DNA position 2481, one base duplicated (A; older notation c.2481dupA).
Protein change: p.Arg828fs; shifts the reading frame from arginine 828.
Molecular consequence: frameshift variant.
Genome position (GRCh38, 1-based): chr9:35,806,500, A duplicated; the last of 5 consecutive A bases (chr9:35,806,496-35,806,500); duplicating any one gives the same sequence. VCF-style (leftmost placement, unchanged base first): chr9-35806495-G-GA. GRCh37 (hg19) VCF-style: chr9-35806492-G-GA.
Other names: c.2490dup, p.Arg831fs (NM_001378923.1); short protein forms R828fs, R831fs.
Identifiers: ClinVar variation 4786465 (VCV004786465.1).
Genomic context (GRCh38, chr9:35,806,495, plus strand): 5'-GAACAGTATGCCAATAACTTGGAGAAGCTGGTGGAGGAACGCACACAGGCCTATCTGGAG[G>GA]AAAAACGCAAGGCTGAAGCTCTGCTCTACCAAATCCTACCCCAGTGAGACTTTGTCCCCC-3'

ClinVar aggregate classification (germline): Pathogenic (1 of 4 stars; one submission).

Conditions:
Acromesomelic dysplasia 1, Maroteaux type (AMD1). Also called: ACROMESOMELIC DYSPLASIA 1; ST. HELENA DYSPLASIA. Identifiers: Orphanet 40, MedGen C1864356, MONDO:0011275, OMIM 602875.
Tall stature-scoliosis-macrodactyly of the great toes syndrome. Also called: Epiphyseal chondrodysplasia, miura type. Identifiers: Orphanet 329191, MedGen C4014690, MONDO:0014401, OMIM 615923.

Submission:

Labcorp Genetics (formerly Invitae), Labcorp
Classification: Pathogenic for Tall stature-scoliosis-macrodactyly of the great toes syndrome; Acromesomelic dysplasia 1, Maroteaux type. Last evaluated: 2025-10-18. Review status: criteria provided, single submitter. Criteria: Invitae Variant Classification Sherloc (09022015). Collection method: clinical testing. Allele origin: germline.
Comment: This sequence change creates a premature translational stop signal (p.Arg828Thrfs*4) in the NPR2 gene. It is expected to result in an absent or disrupted protein product. Loss-of-function variants in NPR2 are known to be pathogenic (PMID: 15146390, 15572448, 16384845). This variant is not present in population databases (gnomAD no frequency). This variant has not been reported in the literature in individuals affected with NPR2-related conditions. For these reasons, this variant has been classified as Pathogenic.

Literature cited by the submitters: PubMed 15146390; PubMed 15572448; PubMed 16384845.